The following is an entry in ClinVar:

ClinVar aggregate classification (germline): Likely benign. Review status: criteria provided, multiple submitters, no conflicts (2 of 4 stars). 4 submissions from 4 submitters: Likely benign (4). Last evaluated 2026-05-01.

Conditions:
Holoprosencephaly 5 (HPE5). Identifiers: Orphanet 2162, MedGen C1864827, MONDO:0012322, OMIM 609637.

Submissions (4):

CeGaT Center for Human Genetics Tuebingen
Classification: Likely benign. Last evaluated: 2026-05-01. Review status: criteria provided, single submitter. Criteria: CeGaT Center For Human Genetics Tuebingen Variant Classification Criteria Version 2. Collection method: clinical testing. Allele origin: germline. Affected: yes. Observed: 2 variant alleles.
Comment: ZIC2: BP4, BP7

Labcorp Genetics (formerly Invitae), Labcorp
Classification: Likely benign for Holoprosencephaly 5. Last evaluated: 2025-12-09. Review status: criteria provided, single submitter. Criteria: Invitae Variant Classification Sherloc (09022015). Collection method: clinical testing. Allele origin: germline.

Blueprint Genetics
Classification: Likely benign. Last evaluated: 2024-10-30. Review status: criteria provided, single submitter. Criteria: ACMG Guidelines, 2015. Collection method: clinical testing. Allele origin: germline.

Fulgent Genetics
Classification: Likely benign for Holoprosencephaly 5. Last evaluated: 2021-08-12. Review status: criteria provided, single submitter. Criteria: ACMG Guidelines, 2015. Collection method: clinical testing. Allele origin: unknown.

NM_007129.5(ZIC2):c.1497C>A (p.Gly499=)

Gene: ZIC2 (Zic family zinc finger 2; plus strand). Cytogenetic location: 13q32.3.
Variant type: single nucleotide variant.
Coding change: c.1497C>A on transcript NM_007129.5 (MANE Select); coding-DNA position 1497, C replaced by A.
Protein change: p.Gly499=; no amino-acid change (glycine 499 retained).
Molecular consequence: synonymous variant.
Genome position (GRCh38, 1-based): chr13:99,985,580, C>A. VCF-style: chr13-99985580-C-A. GRCh37 (hg19) VCF-style: chr13-100637834-C-A.
Identifiers: ClinVar variation 1151590 (VCV001151590.34), dbSNP rs186543347, ClinGen allele CA484543046.